The following is an entry in ClinVar:

NM_001127208.3(TET2):c.3163_3168del (p.Lys1055_Val1056del)

Genes: TET2 (tet methylcytosine dioxygenase 2; plus strand), TET2-AS1 (TET2 antisense RNA 1; minus strand). Cytogenetic location: 4q24.
Variant type: Deletion.
Coding change: c.3163_3168del on transcript NM_001127208.3 (MANE Select); coding-DNA positions 3163 to 3168, 6 bases deleted (AAAGTT; older notation c.3163_3168delAAAGTT).
Protein change: p.Lys1055_Val1056del.
Genome position (GRCh38, 1-based): chr4:105,237,105-105,237,110, AAAGTT deleted. VCF-style (leftmost placement, unchanged base first): chr4-105237104-AAAAGTT-A. GRCh37 (hg19) VCF-style: chr4-106158261-AAAAGTT-A.
Other names: c.3163_3168del, p.Lys1055_Val1056del (NM_017628.4).
Identifiers: ClinVar variation 3677225 (VCV003677225.2).

ClinVar aggregate classification (germline): Uncertain significance (1 of 4 stars; one submission).

Submission:

Labcorp Genetics (formerly Invitae), Labcorp
Classification: Uncertain significance. Last evaluated: 2024-08-21. Review status: criteria provided, single submitter. Criteria: Invitae Variant Classification Sherloc (09022015). Collection method: clinical testing. Allele origin: germline.
Comment: This variant, c.3163_3168del, results in the deletion of 2 amino acid(s) of the TET2 protein (p.Lys1055_Val1056del), but otherwise preserves the integrity of the reading frame. This variant is present in population databases (rs751389315, gnomAD 0.002%). This variant has not been reported in the literature in individuals affected with TET2-related conditions. Experimental studies and prediction algorithms are not available or were not evaluated, and the functional significance of this variant is currently unknown. In summary, the available evidence is currently insufficient to determine the role of this variant in disease. Therefore, it has been classified as a Variant of Uncertain Significance.